The following is an entry in ClinVar:

ClinVar aggregate classification (germline): Uncertain significance (1 of 4 stars; one submission).

Conditions:
Inborn genetic diseases. Identifiers: MedGen C0950123, MeSH D030342.

Allele frequency attached by ClinVar (database versions not stated): ExAC 0.00001; gnomAD 0.00001; 1000 Genomes Project 30x 0.00016; 1000 Genomes Project 0.00020.
gnomAD v4.1: 7 of 1,605,188 alleles (0.00044%); highest among the groups gnomAD compares: Admixed American, 0.01%; no homozygotes.

Submission:

Ambry Genetics
Classification: Uncertain significance for Inborn genetic diseases. Last evaluated: 2023-02-28. Review status: criteria provided, single submitter. Criteria: Ambry Variant Classification Scheme 2023. Collection method: clinical testing. Allele origin: germline.
Comment: The p.K297M variant (also known as c.890A>T), located in coding exon 9 of the MDH2 gene, results from an A to T substitution at nucleotide position 890. The lysine at codon 297 is replaced by methionine, an amino acid with similar properties. This amino acid position is conserved. In addition, this alteration is predicted to be tolerated by in silico analysis. Since supporting evidence is limited at this time, the clinical significance of this alteration remains unclear.

NM_005918.4(MDH2):c.890A>T (p.Lys297Met)

Gene: MDH2 (malate dehydrogenase 2; plus strand). Cytogenetic location: 7q11.23.
Variant type: single nucleotide variant.
Coding change: c.890A>T on transcript NM_005918.4 (MANE Select); coding-DNA position 890, A replaced by T.
Protein change: p.Lys297Met; replaces lysine 297 with methionine.
Molecular consequence: missense variant.
Genome position (GRCh38, 1-based): chr7:76,066,283, A>T. VCF-style: chr7-76066283-A-T. GRCh37 (hg19) VCF-style: chr7-75695601-A-T.
Other names: c.764A>T, p.Lys255Met (NM_001282403.2); c.569A>T, p.Lys190Met (NM_001282404.2); short protein forms K190M, K297M, K255M.
Identifiers: ClinVar variation 2469243 (VCV002469243.2), dbSNP rs545803665, ClinGen allele CA4305761.